The following is an entry in ClinVar:

NM_024675.4(PALB2):c.1848T>C (p.Asp616=)

Gene: PALB2 (partner and localizer of BRCA2; minus strand). Cytogenetic location: 16p12.2.
Variant type: single nucleotide variant.
Coding change: c.1848T>C on transcript NM_024675.4 (MANE Select); coding-DNA position 1848, T replaced by C.
Protein change: p.Asp616=; no amino-acid change (aspartic acid 616 retained).
Molecular consequence: synonymous variant.
Genome position (GRCh38, 1-based): chr16:23,630,306, A>G on the plus strand (T>C on the coding strand, the complement: PALB2 is on the minus strand). VCF-style: chr16-23630306-A-G. GRCh37 (hg19) VCF-style: chr16-23641627-A-G.
Identifiers: ClinVar variation 215929 (VCV000215929.12), dbSNP rs863224428, ClinGen allele CA338668.

ClinVar aggregate classification (germline): Benign/Likely benign. Review status: criteria provided, multiple submitters, no conflicts (2 of 4 stars). 3 submissions from 3 submitters: Benign (1); Likely benign (2). Last evaluated 2025-01-14.

Conditions:
Hereditary cancer-predisposing syndrome. Also called: Hereditary neoplastic syndrome; Neoplastic Syndromes, Hereditary; Tumor predisposition; Hereditary Cancer Syndrome. Identifiers: Orphanet 140162, MedGen C0027672, MeSH D009386, MONDO:0015356.
Familial cancer of breast. Also called: BREAST CANCER, FAMILIAL; Hereditary breast cancer; hereditary breast carcinoma. Identifiers: Orphanet 227535, MedGen C0346153, MONDO:0016419, OMIM 114480. Disease mechanism: loss of function.

Submissions (3):

Myriad Genetics, Inc.
Classification: Benign for Familial cancer of breast. Last evaluated: 2025-01-14. Review status: criteria provided, single submitter. Criteria: Myriad Autosomal Dominant, Autosomal Recessive and X-Linked Classification Criteria (2023). Collection method: clinical testing. Allele origin: unknown.
Comment: This variant is considered benign. This variant is a silent/synonymous amino acid change and it is not expected to impact splicing.

Ambry Genetics
Classification: Likely benign for Hereditary cancer-predisposing syndrome. Last evaluated: 2024-08-19. Review status: criteria provided, single submitter. Criteria: Ambry Variant Classification Scheme 2023. Collection method: clinical testing. Allele origin: germline.

Labcorp Genetics (formerly Invitae), Labcorp
Classification: Likely benign for Familial cancer of breast. Last evaluated: 2023-10-22. Review status: criteria provided, single submitter. Criteria: Invitae Variant Classification Sherloc (09022015). Collection method: clinical testing. Allele origin: germline.